The following is an entry in ClinVar:

ClinVar aggregate classification (germline): Uncertain significance. Review status: criteria provided, multiple submitters, no conflicts (2 of 4 stars). 2 submissions from 2 submitters: Uncertain significance (2). Last evaluated 2025-08-26.

Allele frequency attached by ClinVar (database versions not stated): TOPMed below 0.00001; gnomAD 0.00001; gnomAD exomes 0.00002; ExAC 0.00005.
gnomAD v4.1: 23 of 1,551,624 alleles (0.0015%); highest among the groups gnomAD compares: Middle Eastern, 0.033%; no homozygotes.

Submissions (2):

Ambry Genetics
Classification: Uncertain significance. Last evaluated: 2025-08-26. Review status: criteria provided, single submitter. Criteria: Ambry Variant Classification Scheme 2023. Collection method: clinical testing. Allele origin: germline.

Labcorp Genetics (formerly Invitae), Labcorp
Classification: Uncertain significance. Last evaluated: 2023-07-27. Review status: criteria provided, single submitter. Criteria: Invitae Variant Classification Sherloc (09022015). Collection method: clinical testing. Allele origin: germline.
Comment: In summary, the available evidence is currently insufficient to determine the role of this variant in disease. Therefore, it has been classified as a Variant of Uncertain Significance. Algorithms developed to predict the effect of missense changes on protein structure and function output the following: SIFT: "Not Available"; PolyPhen-2: "Probably Damaging"; Align-GVGD: "Not Available". The aspartic acid amino acid residue is found in multiple mammalian species, which suggests that this missense change does not adversely affect protein function. This variant has not been reported in the literature in individuals affected with SLC51B-related conditions. The frequency data for this variant in the population databases is considered unreliable, as metrics indicate poor data quality at this position in the gnomAD database. This sequence change replaces glycine, which is neutral and non-polar, with aspartic acid, which is acidic and polar, at codon 13 of the SLC51B protein (p.Gly13Asp).

NM_178859.4(SLC51B):c.38G>A (p.Gly13Asp)

Genes: RASL12 (RAS like family 12; minus strand), SLC51B (SLC51 subunit beta; plus strand). Cytogenetic location: 15q22.31.
Variant type: single nucleotide variant.
Coding change: c.38G>A on transcript NM_178859.4 (MANE Select); coding-DNA position 38, G replaced by A.
Protein change: p.Gly13Asp; replaces glycine 13 with aspartic acid.
Molecular consequence: missense variant.
Genome position (GRCh38, 1-based): chr15:65,050,042, G>A. VCF-style: chr15-65050042-G-A. GRCh37 (hg19) VCF-style: chr15-65342380-G-A.
Other names: short protein forms G13D.
Identifiers: ClinVar variation 2614175 (VCV002614175.6), dbSNP rs772137491, ClinGen allele CA7613457.